The following is an entry in ClinVar:

NM_001367823.1(ARHGEF18):c.3112C>G (p.Leu1038Val)

Gene: ARHGEF18 (Rho/Rac guanine nucleotide exchange factor 18; plus strand). Cytogenetic location: 19p13.2.
Variant type: single nucleotide variant.
Coding change: c.3112C>G on transcript NM_001367823.1 (MANE Select); coding-DNA position 3112, C replaced by G.
Protein change: p.Leu1038Val; replaces leucine 1038 with valine.
Molecular consequence: missense variant.
Genome position (GRCh38, 1-based): chr19:7,467,316, C>G. VCF-style: chr19-7467316-C-G. GRCh37 (hg19) VCF-style: chr19-7532202-C-G.
Other names: c.2386C>G, p.Leu796Val (NM_001130955.2); c.2074C>G, p.Leu692Val (NM_001367824.1, NM_015318.4); short protein forms L692V, L1038V, L796V.
Identifiers: ClinVar variation 1345216 (VCV001345216.6), dbSNP rs2145910627, ClinGen allele CA403087021.
Genomic context (GRCh38, chr19:7,467,316, plus strand): 5'-GCTGCCATCCAGGAGCGGGAGAAGCAGTTCCGGCTGCAGTCGACGCGTGGGAACCTGCTG[C>G]TGGAGCAGGAGCGGCAACGCAACTTCGAGAAGCAGCGGGAGGAGCGCGCGGCCCTGGAGA-3'
Protein context (NP_001354752.1, residues 1028-1048): RLQSTRGNLL[Leu1038Val]EQERQRNFEK

ClinVar aggregate classification (germline): Uncertain significance (1 of 4 stars; one submission).

Submission:

Labcorp Genetics (formerly Invitae), Labcorp
Classification: Uncertain significance. Last evaluated: 2023-07-21. Review status: criteria provided, single submitter. Criteria: Invitae Variant Classification Sherloc (09022015). Collection method: clinical testing. Allele origin: germline.
Comment: This variant is not present in population databases (gnomAD no frequency). In summary, the available evidence is currently insufficient to determine the role of this variant in disease. Therefore, it has been classified as a Variant of Uncertain Significance. An algorithm developed to predict the effect of missense changes on protein structure and function (PolyPhen-2) suggests that this variant is likely to be disruptive. ClinVar contains an entry for this variant (Variation ID: 1345216). This variant has not been reported in the literature in individuals affected with ARHGEF18-related conditions. This sequence change replaces leucine, which is neutral and non-polar, with valine, which is neutral and non-polar, at codon 850 of the ARHGEF18 protein (p.Leu850Val).